The following is an entry in ClinVar:

NM_006236.3(POU3F3):c.1040T>G (p.Leu347Arg)

Gene: POU3F3 (POU class 3 homeobox 3; plus strand). Cytogenetic location: 2q12.1.
Variant type: single nucleotide variant.
Coding change: c.1040T>G on transcript NM_006236.3 (MANE Select); coding-DNA position 1040, T replaced by G.
Protein change: p.Leu347Arg; replaces leucine 347 with arginine.
Molecular consequence: missense variant.
Genome position (GRCh38, 1-based): chr2:104,856,550, T>G. VCF-style: chr2-104856550-T-G. GRCh37 (hg19) VCF-style: chr2-105473008-T-G.
Other names: c.1040T>G, p.Leu347Arg (NM_001433704.1); short protein forms L347R.
Identifiers: ClinVar variation 5020679 (VCV005020679.1).

ClinVar aggregate classification (germline): Uncertain significance (1 of 4 stars; one submission).

Submission:

Dasa
Classification: Uncertain significance. Last evaluated: 2026-04-03. Review status: criteria provided, single submitter. Criteria: DASA Assertion Criteria. Collection method: clinical testing. Allele origin: germline.
Comment: NM_006236.3(POU3F3):c.1040T>G (p.Leu347Arg) is a missense variant that results in the substitution of leucine with arginine. The affected residue or protein region has prior evidence supporting clinical relevance. This variant is absent from population databases. Computational prediction algorithms are consistent with a deleterious effect. The currently available literature and clinical evidence are not sufficient to establish a definitive association between this variant and the reported condition. Therefore, this variant is classified as a variant of uncertain significance.